The following is an entry in ClinVar:

ClinVar aggregate classification (germline): Uncertain significance (1 of 4 stars; one submission).

Conditions:
Glycogen storage disease due to muscle and heart glycogen synthase deficiency. Also called: GSD 0b; MUSCLE GLYCOGEN SYNTHASE DEFICIENCY. Identifiers: Orphanet 137625, MedGen C1969054, MONDO:0012693, OMIM 611556.

Allele frequency attached by ClinVar (database versions not stated): gnomAD exomes below 0.00001 and 0.00001.
gnomAD v4.1: 4 of 1,614,146 alleles (0.00025%); highest among the groups gnomAD compares: South Asian, 0.0022%; no homozygotes.

Submission:

Labcorp Genetics (formerly Invitae), Labcorp
Classification: Uncertain significance for Glycogen storage disease due to muscle and heart glycogen synthase deficiency. Last evaluated: 2025-06-20. Review status: criteria provided, single submitter. Criteria: Invitae Variant Classification Sherloc (09022015). Collection method: clinical testing. Allele origin: germline.
Comment: This sequence change replaces glycine, which is neutral and non-polar, with glutamic acid, which is acidic and polar, at codon 401 of the GYS1 protein (p.Gly401Glu). This variant is present in population databases (no rsID available, gnomAD 0.003%). This variant has not been reported in the literature in individuals affected with GYS1-related conditions. ClinVar contains an entry for this variant (Variation ID: 1388061). Invitae Evidence Modeling of protein sequence and biophysical properties (such as structural, functional, and spatial information, amino acid conservation, physicochemical variation, residue mobility, and thermodynamic stability) indicates that this missense variant is not expected to disrupt GYS1 protein function with a negative predictive value of 80%. In summary, the available evidence is currently insufficient to determine the role of this variant in disease. Therefore, it has been classified as a Variant of Uncertain Significance.

NM_002103.5(GYS1):c.1202G>A (p.Gly401Glu)

Gene: GYS1 (glycogen synthase 1; minus strand). Cytogenetic location: 19q13.33.
Variant type: single nucleotide variant.
Coding change: c.1202G>A on transcript NM_002103.5 (MANE Select); coding-DNA position 1202, G replaced by A.
Protein change: p.Gly401Glu; replaces glycine 401 with glutamic acid.
Molecular consequence: missense variant. On other transcripts: non-coding transcript variant (1).
Genome position (GRCh38, 1-based): chr19:48,978,125, C>T on the plus strand (G>A on the coding strand, the complement: GYS1 is on the minus strand). VCF-style: chr19-48978125-C-T. GRCh37 (hg19) VCF-style: chr19-49481382-C-T.
Other names: c.1010G>A, p.Gly337Glu (NM_001161587.2); short protein forms G401E, G337E.
Identifiers: ClinVar variation 1388061 (VCV001388061.6), dbSNP rs1056476850, ClinGen allele CA309391648.